The following is an entry in ClinVar:

ClinVar aggregate classification (germline): Uncertain significance (1 of 4 stars; one submission).

Conditions:
Spastic paraplegia. Identifiers: MedGen C0037772, HP:0001258.

Submissions (2):

Labcorp Genetics (formerly Invitae), Labcorp
Classification: Uncertain significance for Spastic paraplegia. Last evaluated: 2022-03-19. Review status: criteria provided, single submitter. Criteria: Invitae Variant Classification Sherloc (09022015). Collection method: clinical testing. Allele origin: germline.
Comment: In summary, the available evidence is currently insufficient to determine the role of this variant in disease. Therefore, it has been classified as a Variant of Uncertain Significance. Algorithms developed to predict the effect of missense changes on protein structure and function output the following: SIFT: "Tolerated"; PolyPhen-2: "Benign"; Align-GVGD: "Class C0". The serine amino acid residue is found in multiple mammalian species, which suggests that this missense change does not adversely affect protein function. This variant has not been reported in the literature in individuals affected with SLC33A1-related conditions. This variant is not present in population databases (gnomAD no frequency). This sequence change replaces alanine, which is neutral and non-polar, with serine, which is neutral and polar, at codon 320 of the SLC33A1 protein (p.Ala320Ser).

Dr. Peter K. Rogan Lab, Western University
No classification provided (evidence only). Condition: Nonpapillary renal cell carcinoma. Review status: no classification provided. Collection method: in vitro. Allele origin: not applicable. Functional consequence: retained intron. Not counted in ClinVar's aggregate classification.

NM_004733.4(SLC33A1):c.958G>T (p.Ala320Ser)

Gene: SLC33A1 (solute carrier family 33 member 1; minus strand). Cytogenetic location: 3q25.31.
Variant type: single nucleotide variant.
Coding change: c.958G>T on transcript NM_004733.4 (MANE Select); coding-DNA position 958, G replaced by T.
Protein change: p.Ala320Ser; replaces alanine 320 with serine.
Molecular consequence: missense variant. On other transcripts: intron variant (1).
Genome position (GRCh38, 1-based): chr3:155,842,437, C>A on the plus strand (G>T on the coding strand, the complement: SLC33A1 is on the minus strand). VCF-style: chr3-155842437-C-A. GRCh37 (hg19) VCF-style: chr3-155560226-C-A.
Other names: c.958G>T, p.Ala320Ser (NM_001190992.2); c.776-8396G>T (NM_001363883.1); short protein forms A320S.
Identifiers: ClinVar variation 2102499 (VCV002102499.5), dbSNP rs1225470146, ClinGen allele CA355141576.